The following is an entry in ClinVar:

ClinVar aggregate classification (germline): Uncertain significance (1 of 4 stars; one submission).

Submission:

GeneDx
Classification: Uncertain significance. Last evaluated: 2023-10-31. Review status: criteria provided, single submitter. Criteria: GeneDx Variant Classification Process June 2021. Collection method: clinical testing. Allele origin: germline. Affected: yes.
Comment: Not observed at significant frequency in large population cohorts (gnomAD); In silico analysis supports that this missense variant has a deleterious effect on protein structure/function; Has not been previously published as pathogenic or benign to our knowledge

NM_001395159.1(UNC79):c.7379T>G (p.Leu2460Arg)

Gene: UNC79 (unc-79 homolog, NALCN channel complex subunit; plus strand). Cytogenetic location: 14q32.12.
Variant type: single nucleotide variant.
Coding change: c.7379T>G on transcript NM_001395159.1 (MANE Select); coding-DNA position 7379, T replaced by G.
Protein change: p.Leu2460Arg; replaces leucine 2460 with arginine.
Molecular consequence: missense variant.
Genome position (GRCh38, 1-based): chr14:93,688,801, T>G. VCF-style: chr14-93688801-T-G. GRCh37 (hg19) VCF-style: chr14-94155147-T-G.
Other names: c.7313T>G, p.Leu2438Arg (NM_001346218.2); c.6632T>G, p.Leu2211Arg (NM_020818.5); short protein forms L2211R, L2438R, L2460R.
Identifiers: ClinVar variation 3363389 (VCV003363389.1).